The following is an entry in ClinVar:

ClinVar aggregate classification (germline): Likely benign. Review status: criteria provided, multiple submitters, no conflicts (2 of 4 stars). 7 submissions from 7 submitters: Likely benign (6). 1 of the submissions does not count toward it. Last evaluated 2026-01-05.

Conditions:
Ehlers-Danlos syndrome, classic type, 1 (EDSCL1). Also called: EHLERS-DANLOS SYNDROME, GRAVIS TYPE; EHLERS-DANLOS SYNDROME, SEVERE CLASSIC TYPE; Ehlers-Danlos Syndrome, Classic Type, COL5A1-Related; EDS I; Ehlers-Danlos syndrome, type 1. Identifiers: MedGen C0268335, MONDO:0019567, OMIM 130000.
Ehlers-Danlos syndrome, classic type (cEDS). Identifiers: Orphanet 287, MedGen C4225429, MONDO:0007522.
Familial thoracic aortic aneurysm and aortic dissection (TAAD). Also called: Thoracic aortic aneurysms and dissections. Identifiers: Orphanet 91387, MedGen C4707243, MONDO:0019625.
COL5A1-related disorder. Also called: COL5A1-related condition.

Allele frequency attached by ClinVar (database versions not stated): TOPMed 0.00004; gnomAD exomes 0.00009 and 0.00015; ExAC 0.00018; 1000 Genomes Project 0.00060; gnomAD 0.00003 and 0.00007; 1000 Genomes Project 30x 0.00047.
gnomAD v4.1: 142 of 1,613,364 alleles (0.0088%); highest among the groups gnomAD compares: South Asian, 0.13%; no homozygotes.

Submissions (7):

Labcorp Genetics (formerly Invitae), Labcorp
Classification: Likely benign for Ehlers-Danlos syndrome, classic type, 1. Last evaluated: 2026-01-05. Review status: criteria provided, single submitter. Criteria: Invitae Variant Classification Sherloc (09022015). Collection method: clinical testing. Allele origin: germline.

Women's Health and Genetics/Laboratory Corporation of America, LabCorp
Classification: Likely benign. Last evaluated: 2025-01-13. Review status: criteria provided, single submitter. Criteria: LabCorp Variant Classification Summary - May 2015. Collection method: clinical testing. Allele origin: germline.

Ambry Genetics
Classification: Likely benign for Familial thoracic aortic aneurysm and aortic dissection. Last evaluated: 2023-11-13. Review status: criteria provided, single submitter. Criteria: Ambry Variant Classification Scheme 2023. Collection method: clinical testing. Allele origin: germline.

ARUP Laboratories, Molecular Genetics and Genomics, ARUP Laboratories
Classification: Likely benign. Last evaluated: 2022-03-31. Review status: criteria provided, single submitter. Criteria: ARUP Molecular Germline Variant Investigation Process 2021. Collection method: clinical testing. Allele origin: germline.

GeneDx
Classification: Likely benign. Last evaluated: 2020-09-17. Review status: criteria provided, single submitter. Criteria: GeneDx Variant Classification Process June 2021. Collection method: clinical testing. Allele origin: germline. Affected: yes.

Illumina Laboratory Services, Illumina
Classification: Likely benign for Ehlers-Danlos syndrome, classic type, 1. Last evaluated: 2018-01-13. Review status: criteria provided, single submitter. Criteria: ICSL Variant Classification Criteria 13 December 2019. Collection method: clinical testing. Allele origin: germline.
Comment: This variant was observed in the ICSL laboratory as part of a predisposition screen in an ostensibly healthy population. It had not been previously curated by ICSL or reported in the Human Gene Mutation Database (HGMD: prior to June 1st, 2018), and was therefore a candidate for classification through an automated scoring system. Utilizing variant allele frequency, disease prevalence and penetrance estimates, and inheritance mode, an automated score was calculated to assess if this variant is too frequent to cause the disease. Based on the score and internal cut-off values, a variant classified as likely benign is not then subjected to further curation. The score for this variant resulted in a classification of likely benign for this disease.

PreventionGenetics, part of Exact Sciences
Classification: Likely benign for COL5A1-related condition. Last evaluated: 2023-01-23. Review status: no assertion criteria provided. Collection method: clinical testing. Allele origin: germline. Not counted in ClinVar's aggregate classification.
Comment: This variant is classified as likely benign based on ACMG/AMP sequence variant interpretation guidelines (Richards et al. 2015 PMID: 25741868, with internal and published modifications).

NM_000093.5(COL5A1):c.2182G>A (p.Ala728Thr)

Gene: COL5A1 (collagen type V alpha 1 chain; plus strand). Cytogenetic location: 9q34.3.
Variant type: single nucleotide variant.
Coding change: c.2182G>A on transcript NM_000093.5 (MANE Select); coding-DNA position 2182, G replaced by A.
Protein change: p.Ala728Thr; replaces alanine 728 with threonine.
Molecular consequence: missense variant.
Genome position (GRCh38, 1-based): chr9:134,767,048, G>A. VCF-style: chr9-134767048-G-A. GRCh37 (hg19) VCF-style: chr9-137658894-G-A.
Other names: c.2182G>A, p.Ala728Thr (NM_001278074.1); short protein forms A728T.
Identifiers: ClinVar variation 365715 (VCV000365715.29), dbSNP rs575535171, ClinGen allele CA5319188.